The following is an entry in ClinVar:

NM_002900.3(RBP3):c.3059C>T (p.Pro1020Leu)

Gene: RBP3 (retinol binding protein 3; plus strand). Cytogenetic location: 10q11.22.
Variant type: single nucleotide variant.
Coding change: c.3059C>T on transcript NM_002900.3 (MANE Select); coding-DNA position 3059, C replaced by T.
Protein change: p.Pro1020Leu; replaces proline 1020 with leucine.
Molecular consequence: missense variant.
Genome position (GRCh38, 1-based): chr10:47,353,329, C>T. VCF-style: chr10-47353329-C-T. GRCh37 (hg19) VCF-style: chr10-48386033-G-A.
Other names: short protein forms P1020L.
Identifiers: ClinVar variation 1464814 (VCV001464814.8), dbSNP rs1258032515, ClinGen allele CA376676292.

ClinVar aggregate classification (germline): Uncertain significance (1 of 4 stars; one submission).

Allele frequency attached by ClinVar (database versions not stated): gnomAD exomes below 0.00001; TOPMed below 0.00001; gnomAD 0.00001.
gnomAD v4.1: 3 of 1,613,874 alleles (0.00019%); highest among the groups gnomAD compares: Non-Finnish European, 0.00017%; no homozygotes.

Submission:

Labcorp Genetics (formerly Invitae), Labcorp
Classification: Uncertain significance. Last evaluated: 2022-07-11. Review status: criteria provided, single submitter. Criteria: Invitae Variant Classification Sherloc (09022015). Collection method: clinical testing. Allele origin: germline.
Comment: This sequence change replaces proline, which is neutral and non-polar, with leucine, which is neutral and non-polar, at codon 1020 of the RBP3 protein (p.Pro1020Leu). This variant is not present in population databases (gnomAD no frequency). This variant has not been reported in the literature in individuals affected with RBP3-related conditions. ClinVar contains an entry for this variant (Variation ID: 1464814). Algorithms developed to predict the effect of missense changes on protein structure and function are either unavailable or do not agree on the potential impact of this missense change (SIFT: "Deleterious"; PolyPhen-2: "Possibly Damaging"; Align-GVGD: "Class C0"). In summary, the available evidence is currently insufficient to determine the role of this variant in disease. Therefore, it has been classified as a Variant of Uncertain Significance.